The following is an entry in ClinVar:

NM_004281.4(BAG3):c.508-3C>G

Gene: BAG3 (BAG cochaperone 3; plus strand). Cytogenetic location: 10q26.11.
Variant type: single nucleotide variant.
Coding change: c.508-3C>G on transcript NM_004281.4 (MANE Select); 3 bases into the intron before coding-DNA position 508, C replaced by G.
Molecular consequence: intron variant.
Genome position (GRCh38, 1-based): chr10:119,672,252, C>G. VCF-style: chr10-119672252-C-G. GRCh37 (hg19) VCF-style: chr10-121431764-C-G.
Identifiers: ClinVar variation 1390026 (VCV001390026.6), dbSNP rs1400338528, ClinGen allele CA2573145587.

ClinVar aggregate classification (germline): Uncertain significance (1 of 4 stars; one submission).

Conditions:
Dilated cardiomyopathy 1HH (CMD1HH). Identifiers: Orphanet 154, MedGen C3151293, MONDO:0013479, OMIM 613881.
Myofibrillar myopathy 6. Identifiers: Orphanet 199340, MedGen C2751831, MONDO:0013061, OMIM 612954.

Submission:

Labcorp Genetics (formerly Invitae), Labcorp
Classification: Uncertain significance for Dilated cardiomyopathy 1HH; Myofibrillar myopathy 6. Last evaluated: 2021-10-28. Review status: criteria provided, single submitter. Criteria: Invitae Variant Classification Sherloc (09022015). Collection method: clinical testing. Allele origin: germline.
Comment: This variant has not been reported in the literature in individuals affected with BAG3-related conditions. In summary, the available evidence is currently insufficient to determine the role of this variant in disease. Therefore, it has been classified as a Variant of Uncertain Significance. Variants that disrupt the consensus splice site are a relatively common cause of aberrant splicing (PMID: 17576681, 9536098). Algorithms developed to predict the effect of sequence changes on RNA splicing suggest that this variant may disrupt the consensus splice site. This variant is not present in population databases (gnomAD no frequency). This sequence change falls in intron 2 of the BAG3 gene. It does not directly change the encoded amino acid sequence of the BAG3 protein. It affects a nucleotide within the consensus splice site.

Literature cited by the submitters: PubMed 17576681; PubMed 9536098.